The following is an entry in ClinVar:

ClinVar aggregate classification (germline): Likely benign. Review status: criteria provided, multiple submitters, no conflicts (2 of 4 stars). 2 submissions from 2 submitters: Likely benign (2). Last evaluated 2025-02-20.

Allele frequency attached by ClinVar (database versions not stated): gnomAD exomes below 0.00001; gnomAD 0.00001.
gnomAD v4.1: 21 of 1,613,948 alleles (0.0013%); highest among the groups gnomAD compares: Non-Finnish European, 0.0017%; no homozygotes.

Submissions (2):

Labcorp Genetics (formerly Invitae), Labcorp
Classification: Likely benign. Last evaluated: 2025-02-20. Review status: criteria provided, single submitter. Criteria: Invitae Variant Classification Sherloc (09022015). Collection method: clinical testing. Allele origin: germline.

Laboratory for Molecular Medicine, Mass General Brigham Personalized Medicine
Classification: Likely benign. Last evaluated: 2018-05-15. Review status: criteria provided, single submitter. Criteria: LMM Criteria. Collection method: clinical testing. Allele origin: germline. Observed: 1 variant allele.
Comment: p.Ile907Ile in exon 21 of CACNA1D: This variant is classified as likely benign b ecause it does not alter an amino acid residue, it is not located within the spl ice consensus sequence, and splice prediction algorithms do not predict a newly created splice site. This variant has been identified in 1/111720 European chrom osomes by the Genome Aggregation Database (gnomAD. org; dbSNP rs1457329674). ACMG/AMP Criteria applied: PM2, BP7

NM_001128840.3(CACNA1D):c.2661C>T (p.Ile887=)

Gene: CACNA1D (calcium voltage-gated channel subunit alpha1 D; plus strand). Cytogenetic location: 3p21.1.
Variant type: single nucleotide variant.
Coding change: c.2661C>T on transcript NM_001128840.3 (MANE Select); coding-DNA position 2661, C replaced by T.
Protein change: p.Ile887=; no amino-acid change (isoleucine 887 retained).
Molecular consequence: synonymous variant.
Genome position (GRCh38, 1-based): chr3:53,735,413, C>T. VCF-style: chr3-53735413-C-T. GRCh37 (hg19) VCF-style: chr3-53769440-C-T.
Other names: c.2721C>T, p.Ile907= (NM_000720.4); c.2661C>T, p.Ile887= (NM_001128839.3).
Identifiers: ClinVar variation 667079 (VCV000667079.7), dbSNP rs1457329674, ClinGen allele CA433800950.
Genomic context (GRCh38, chr3:53,735,413, plus strand): 5'-AGCAGCGGCTTTTCCCTGCAGGATCCGCGTAGGCTGCCACAAGCTCATCAACCACCACAT[C>T]TTCACCAACCTCATCCTTGTCTTCATCATGCTGAGCAGCGCTGCCCTGGCCGCAGAGGAC-3'
Protein context (NP_001122312.1, residues 877-897): VGCHKLINHH[Ile887=]FTNLILVFIM